The following is an entry in ClinVar:

NM_205836.3(FBXO38):c.2114G>A (p.Ser705Asn)

Gene: FBXO38 (F-box protein 38; plus strand). Cytogenetic location: 5q32.
Variant type: single nucleotide variant.
Coding change: c.2114G>A on transcript NM_205836.3 (MANE Select); coding-DNA position 2114, G replaced by A.
Protein change: p.Ser705Asn; replaces serine 705 with asparagine.
Molecular consequence: missense variant. On other transcripts: intron variant (1).
Genome position (GRCh38, 1-based): chr5:148,427,408, G>A. VCF-style: chr5-148427408-G-A. GRCh37 (hg19) VCF-style: chr5-147806971-G-A.
Other names: c.2114G>A, p.Ser705Asn (NM_030793.5); c.1918+1707G>A (NM_001271723.2); short protein forms S705N.
Identifiers: ClinVar variation 1910500 (VCV001910500.5), dbSNP rs1013990216, ClinGen allele CA128949886.
Genomic context (GRCh38, chr5:148,427,408, plus strand): 5'-TGAAAGCAGCTAGGGATATTCCTGAAAAGAAAAAAAACAAGGATGTTTATCCCAGCTGCA[G>A]CAGCACCACCGCCAGCACAGTGGGAAACTCCAGCTCACACAACACTGCTTCTCAAAGCCC-3'
Protein context (NP_995308.1, residues 695-715): KKNKDVYPSC[Ser705Asn]STTASTVGNS

ClinVar aggregate classification (germline): Uncertain significance (1 of 4 stars; one submission).

Conditions:
Distal hereditary motor neuropathy type 2. Identifiers: Orphanet 139525, MedGen C3711384, MeSH C580044, MONDO:0015352.

Allele frequency attached by ClinVar (database versions not stated): gnomAD exomes below 0.00001.
gnomAD v4.1: 2 of 1,614,190 alleles (0.00012%); highest among the groups gnomAD compares: Middle Eastern, 0.016%; no homozygotes.

Submission:

Labcorp Genetics (formerly Invitae), Labcorp
Classification: Uncertain significance for Distal hereditary motor neuropathy type 2. Last evaluated: 2022-08-06. Review status: criteria provided, single submitter. Criteria: Invitae Variant Classification Sherloc (09022015). Collection method: clinical testing. Allele origin: germline.
Comment: In summary, the available evidence is currently insufficient to determine the role of this variant in disease. Therefore, it has been classified as a Variant of Uncertain Significance. Algorithms developed to predict the effect of missense changes on protein structure and function are either unavailable or do not agree on the potential impact of this missense change (SIFT: "Deleterious"; PolyPhen-2: "Probably Damaging"; Align-GVGD: "Class C0"). This variant has not been reported in the literature in individuals affected with FBXO38-related conditions. This variant is not present in population databases (gnomAD no frequency). This sequence change replaces serine, which is neutral and polar, with asparagine, which is neutral and polar, at codon 705 of the FBXO38 protein (p.Ser705Asn).